The following is an entry in ClinVar:

ClinVar aggregate classification (germline): Benign (1 of 4 stars; one submission).

Allele frequency attached by ClinVar (database versions not stated): 1000 Genomes Project 0.31629; 1000 Genomes Project 30x 0.32355; gnomAD 0.35875 and 0.36926; TOPMed 0.36035.
gnomAD v4.1: 54,405 of 151,956 alleles (36%); highest among the groups gnomAD compares: African/African-American, 57%; 11,347 homozygotes.

Submission:

GeneDx
Classification: Benign. Last evaluated: 2018-06-19. Review status: criteria provided, single submitter. Criteria: GeneDx Variant Classification (06012015). Collection method: clinical testing. Allele origin: germline. Affected: yes.
Comment: This variant is considered likely benign or benign based on one or more of the following criteria: it is a conservative change, it occurs at a poorly conserved position in the protein, it is predicted to be benign by multiple in silico algorithms, and/or has population frequency not consistent with disease.

NM_013296.5(GPSM2):c.1264-272C>T

Gene: GPSM2 (G protein signaling modulator 2; plus strand). Cytogenetic location: 1p13.3.
Variant type: single nucleotide variant.
Coding change: c.1264-272C>T on transcript NM_013296.5 (MANE Select); 272 bases into the intron before coding-DNA position 1264, C replaced by T.
Molecular consequence: intron variant.
Genome position (GRCh38, 1-based): chr1:108,918,341, C>T. VCF-style: chr1-108918341-C-T. GRCh37 (hg19) VCF-style: chr1-109460963-C-T.
Other names: c.1264-272C>T (NM_001321038.2, NM_001321039.3).
Identifiers: ClinVar variation 683318 (VCV000683318.1), dbSNP rs338470, ClinGen allele CA10813024.